The following is an entry in ClinVar:

ClinVar aggregate classification (germline): Uncertain significance (1 of 4 stars; one submission).

Conditions:
Hereditary breast ovarian cancer syndrome. Also called: Hereditary breast and ovarian cancer syndrome; Hereditary breast and ovarian cancer syndrome (HBOC); Breast and ovarian cancer; Hereditary breast and/or ovarian cancer syndrome; Hereditary breast and ovarian cancer; BRCA1- and BRCA2-Associated Hereditary Breast and Ovarian Cancer. Identifiers: Orphanet 145, MedGen C0677776, MeSH D061325, MONDO:0003582. Disease mechanism: loss of function.

Submission:

Labcorp Genetics (formerly Invitae), Labcorp
Classification: Uncertain significance for Hereditary breast ovarian cancer syndrome. Last evaluated: 2022-08-11. Review status: criteria provided, single submitter. Criteria: Invitae Variant Classification Sherloc (09022015). Collection method: clinical testing. Allele origin: germline.
Comment: Advanced modeling of protein sequence and biophysical properties (such as structural, functional, and spatial information, amino acid conservation, physicochemical variation, residue mobility, and thermodynamic stability) performed at Invitae indicates that this missense variant is not expected to disrupt BRCA2 protein function. In summary, the available evidence is currently insufficient to determine the role of this variant in disease. Therefore, it has been classified as a Variant of Uncertain Significance. This variant has not been reported in the literature in individuals affected with BRCA2-related conditions. This variant is not present in population databases (gnomAD no frequency). This sequence change replaces phenylalanine, which is neutral and non-polar, with tyrosine, which is neutral and polar, at codon 3060 of the BRCA2 protein (p.Phe3060Tyr).

NM_000059.4(BRCA2):c.9179T>A (p.Phe3060Tyr)

Gene: BRCA2 (BRCA2 DNA repair associated; plus strand). Cytogenetic location: 13q13.1.
Variant type: single nucleotide variant.
Coding change: c.9179T>A on transcript NM_000059.4 (MANE Select); coding-DNA position 9179, T replaced by A.
Protein change: p.Phe3060Tyr; replaces phenylalanine 3060 with tyrosine.
Molecular consequence: missense variant.
Genome position (GRCh38, 1-based): chr13:32,380,068, T>A. VCF-style: chr13-32380068-T-A. GRCh37 (hg19) VCF-style: chr13-32954205-T-A.
Other names: c.9083T>A, p.Phe3028Tyr (NM_001406719.1); c.9128T>A, p.Phe3043Tyr (NM_001406720.1); c.4247T>A, p.Phe1416Tyr (NM_001406721.1); c.2762T>A, p.Phe921Tyr (NM_001406722.1); short protein forms F1416Y, F3028Y, F3043Y, F3060Y, F921Y.
Identifiers: ClinVar variation 1716124 (VCV001716124.6), dbSNP rs876659750, ClinGen allele CA387758057.
Genomic context (GRCh38, chr13:32,380,068, plus strand): 5'-TTTCAGATGAAATTTTATTTCAGATTTACCAGCCACGGGAGCCCCTTCACTTCAGCAAAT[T>A]TTTAGATCCAGACTTTCAGCCATCTTGTTCTGAGGTGGACCTAATAGGATTTGTCGTTTC-3'
Protein context (NP_000050.3, residues 3050-3070): QPREPLHFSK[Phe3060Tyr]LDPDFQPSCS